The following is an entry in ClinVar:

ClinVar aggregate classification (germline): Uncertain significance (1 of 4 stars; one submission).

Conditions:
Adams-Oliver syndrome 5 (AOS5). Identifiers: Orphanet 974, MedGen C4014970, MONDO:0014459, OMIM 616028.

Submission:

Labcorp Genetics (formerly Invitae), Labcorp
Classification: Uncertain significance for Adams-Oliver syndrome 5. Last evaluated: 2023-08-17. Review status: criteria provided, single submitter. Criteria: Invitae Variant Classification Sherloc (09022015). Collection method: clinical testing. Allele origin: germline.
Comment: In summary, the available evidence is currently insufficient to determine the role of this variant in disease. Therefore, it has been classified as a Variant of Uncertain Significance. Advanced modeling of protein sequence and biophysical properties (such as structural, functional, and spatial information, amino acid conservation, physicochemical variation, residue mobility, and thermodynamic stability) performed at Invitae indicates that this missense variant is not expected to disrupt NOTCH1 protein function. This variant has not been reported in the literature in individuals affected with NOTCH1-related conditions. This variant is not present in population databases (gnomAD no frequency). This sequence change replaces threonine, which is neutral and polar, with isoleucine, which is neutral and non-polar, at codon 2337 of the NOTCH1 protein (p.Thr2337Ile).

NM_017617.5(NOTCH1):c.7010C>T (p.Thr2337Ile)

Gene: NOTCH1 (notch receptor 1; minus strand). Cytogenetic location: 9q34.3.
Variant type: single nucleotide variant.
Coding change: c.7010C>T on transcript NM_017617.5 (MANE Select); coding-DNA position 7010, C replaced by T.
Protein change: p.Thr2337Ile; replaces threonine 2337 with isoleucine.
Molecular consequence: missense variant.
Genome position (GRCh38, 1-based): chr9:136,496,729, G>A on the plus strand (C>T on the coding strand, the complement: NOTCH1 is on the minus strand). VCF-style: chr9-136496729-G-A. GRCh37 (hg19) VCF-style: chr9-139391181-G-A.
Other names: short protein forms T2337I.
Identifiers: ClinVar variation 2808400 (VCV002808400.2), dbSNP rs2540421272, ClinGen allele CA375629297.